The following is an entry in ClinVar:

NM_001303457.2(TTI1):c.1244T>C (p.Ile415Thr)

Gene: TTI1 (TELO2 interacting protein 1; minus strand). Cytogenetic location: 20q11.23.
Variant type: single nucleotide variant.
Coding change: c.1244T>C on transcript NM_001303457.2 (MANE Select); coding-DNA position 1244, T replaced by C.
Protein change: p.Ile415Thr; replaces isoleucine 415 with threonine.
Molecular consequence: missense variant.
Genome position (GRCh38, 1-based): chr20:38,012,573, A>G on the plus strand (T>C on the coding strand, the complement: TTI1 is on the minus strand). VCF-style: chr20-38012573-A-G. GRCh37 (hg19) VCF-style: chr20-36640975-A-G.
Other names: c.1244T>C, p.Ile415Thr (NM_014657.3); short protein forms I415T.
Identifiers: ClinVar variation 3388214 (VCV003388214.14).
Genomic context (GRCh38, chr20:38,012,573, plus strand): 5'-ACTTGGATGAGTGCTTTGGAAAGCCGCTGGAGATGGGCCACAGAGTTGAGGACAAAGTTT[A>G]TTTTTGGGCCCAAGAGTTTCAGATAACCAAGTAACAAGGAAAGAGTAGAGAATTTGCCCT-3'
Protein context (NP_001290386.1, residues 405-425): LGYLKLLGPK[Ile415Thr]NFVLNSVAHL

ClinVar aggregate classification (germline): Likely benign (1 of 4 stars; one submission).

gnomAD v4.1: 3,431 of 1,614,164 alleles (0.21%); highest among the groups gnomAD compares: Non-Finnish European, 0.25%; 8 homozygotes.

Submission:

CeGaT Center for Human Genetics Tuebingen
Classification: Likely benign. Last evaluated: 2026-09-01. Review status: criteria provided, single submitter. Criteria: CeGaT Center For Human Genetics Tuebingen Variant Classification Criteria Version 2. Collection method: clinical testing. Allele origin: germline. Affected: yes. Observed: 2 variant alleles.
Comment: TTI1: BP4, BS2